The following is an entry in ClinVar:

NM_014319.5(LEMD3):c.835G>C (p.Asp279His)

Gene: LEMD3 (LEM domain containing 3; plus strand). Cytogenetic location: 12q14.3.
Variant type: single nucleotide variant.
Coding change: c.835G>C on transcript NM_014319.5 (MANE Select); coding-DNA position 835, G replaced by C.
Protein change: p.Asp279His; replaces aspartic acid 279 with histidine.
Molecular consequence: missense variant.
Genome position (GRCh38, 1-based): chr12:65,170,431, G>C. VCF-style: chr12-65170431-G-C. GRCh37 (hg19) VCF-style: chr12-65564211-G-C.
Other names: c.835G>C, p.Asp279His (NM_001167614.2); short protein forms D279H.
Identifiers: ClinVar variation 3018199 (VCV003018199.3), dbSNP rs376432823, ClinGen allele CA6670771.

ClinVar aggregate classification (germline): Uncertain significance (1 of 4 stars; one submission).

Allele frequency attached by ClinVar (database versions not stated): gnomAD exomes 0.00002; ESP Exome Variant Server 0.00008; gnomAD 0.00002; ExAC 0.00001; TOPMed 0.00002.
gnomAD v4.1: 32 of 1,613,902 alleles (0.002%); highest among the groups gnomAD compares: Non-Finnish European, 0.0025%; no homozygotes.

Submission:

Labcorp Genetics (formerly Invitae), Labcorp
Classification: Uncertain significance. Last evaluated: 2025-06-04. Review status: criteria provided, single submitter. Criteria: Invitae Variant Classification Sherloc (09022015). Collection method: clinical testing. Allele origin: germline.
Comment: This sequence change replaces aspartic acid, which is acidic and polar, with histidine, which is basic and polar, at codon 279 of the LEMD3 protein (p.Asp279His). This variant is present in population databases (rs376432823, gnomAD 0.002%). This variant has not been reported in the literature in individuals affected with LEMD3-related conditions. ClinVar contains an entry for this variant (Variation ID: 3018199). Invitae Evidence Modeling of protein sequence and biophysical properties (such as structural, functional, and spatial information, amino acid conservation, physicochemical variation, residue mobility, and thermodynamic stability) indicates that this missense variant is not expected to disrupt LEMD3 protein function with a negative predictive value of 80%. In summary, the available evidence is currently insufficient to determine the role of this variant in disease. Therefore, it has been classified as a Variant of Uncertain Significance.